The following is an entry in ClinVar:

NM_001130987.2(DYSF):c.5380C>T (p.Leu1794Phe)

Gene: DYSF (dysferlin; plus strand). Cytogenetic location: 2p13.2.
Variant type: single nucleotide variant.
Coding change: c.5380C>T on transcript NM_001130987.2 (MANE Select); coding-DNA position 5380, C replaced by T.
Protein change: p.Leu1794Phe; replaces leucine 1794 with phenylalanine.
Molecular consequence: missense variant.
Genome position (GRCh38, 1-based): chr2:71,667,438, C>T. VCF-style: chr2-71667438-C-T. GRCh37 (hg19) VCF-style: chr2-71894568-C-T.
Other names: c.5266C>T, p.Leu1756Phe (NM_001130455.2); c.5221C>T, p.Leu1741Phe (NM_001130976.2); c.5284C>T, p.Leu1762Phe (NM_001130977.2); c.5326C>T, p.Leu1776Phe (NM_001130978.2); c.5356C>T, p.Leu1786Phe (NM_001130979.2); c.5314C>T, p.Leu1772Phe (NM_001130980.2); c.5377C>T, p.Leu1793Phe (NM_001130981.2); c.5359C>T, p.Leu1787Phe (NM_001130982.2); and 6 more; short protein forms L1755F, L1794F, L1741F, L1742F, L1763F, L1773F, L1787F, L1772F.
Identifiers: ClinVar variation 594524 (VCV000594524.15), dbSNP rs1558778541, ClinGen allele CA347221331.
Genomic context (GRCh38, chr2:71,667,438, plus strand): 5'-GCTGGCAGGATCCCAAACCCACACCTGGGCCCAGTGGAGGAGCGTCTGGCTCTGCATGTG[C>T]TTCAGCAGCAGGGCCTGGTCCCGGAGCACGTGGAGTCACGGCCCCTCTACAGCCCCCTGC-3'
Protein context (NP_001124459.1, residues 1784-1804): PVEERLALHV[Leu1794Phe]QQQGLVPEHV

ClinVar aggregate classification (germline): Uncertain significance. Review status: criteria provided, multiple submitters, no conflicts (2 of 4 stars). 3 submissions from 3 submitters: Uncertain significance (3). Last evaluated 2020-11-27.

Conditions:
Neuromuscular disease caused by qualitative or quantitative defects of dysferlin. Also called: Qualitative or quantitative defects of dysferlin; Dysferlinopathy. Identifiers: Orphanet 207073, MedGen C2931687, MONDO:0016145.

Allele frequency attached by ClinVar (database versions not stated): gnomAD exomes below 0.00001.
gnomAD v4.1: 1 of 1,614,118 alleles (0.000062%); highest among the groups gnomAD compares: Non-Finnish European, 0.000085%; no homozygotes.

Submissions (3):

Revvity Omics, Revvity
Classification: Uncertain significance. Last evaluated: 2020-11-27. Review status: criteria provided, single submitter. Criteria: ACMG Guidelines, 2015. Collection method: clinical testing. Allele origin: germline.

Labcorp Genetics (formerly Invitae), Labcorp
Classification: Uncertain significance for Neuromuscular disease caused by qualitative or quantitative defects of dysferlin. Last evaluated: 2020-11-17. Review status: criteria provided, single submitter. Criteria: Invitae Variant Classification Sherloc (09022015). Collection method: clinical testing. Allele origin: germline.
Comment: This sequence change replaces leucine with phenylalanine at codon 1755 of the DYSF protein (p.Leu1755Phe). The leucine residue is highly conserved and there is a small physicochemical difference between leucine and phenylalanine. This variant is not present in population databases (ExAC no frequency). This variant has not been reported in the literature in individuals with DYSF-related conditions. ClinVar contains an entry for this variant (Variation ID: 594524). Algorithms developed to predict the effect of missense changes on protein structure and function are either unavailable or do not agree on the potential impact of this missense change (SIFT: "Deleterious"; PolyPhen-2: "Probably Damaging"; Align-GVGD: "Class C0"). In summary, the available evidence is currently insufficient to determine the role of this variant in disease. Therefore, it has been classified as a Variant of Uncertain Significance.

Eurofins Ntd Llc (ga)
Classification: Uncertain significance. Last evaluated: 2017-10-13. Review status: criteria provided, single submitter. Criteria: EGL Classification Definitions 2015. Collection method: clinical testing. Allele origin: germline. Observed: 1 variant allele, 1 heterozygote.